The following is an entry in ClinVar:

NM_001261826.3(AP3D1):c.1198A>G (p.Ile400Val)

Gene: AP3D1 (adaptor related protein complex 3 subunit delta 1; minus strand). Cytogenetic location: 19p13.3.
Variant type: single nucleotide variant.
Coding change: c.1198A>G on transcript NM_001261826.3 (MANE Select); coding-DNA position 1198, A replaced by G.
Protein change: p.Ile400Val; replaces isoleucine 400 with valine.
Molecular consequence: missense variant.
Genome position (GRCh38, 1-based): chr19:2,121,215, T>C on the plus strand (A>G on the coding strand, the complement: AP3D1 is on the minus strand). VCF-style: chr19-2121215-T-C. GRCh37 (hg19) VCF-style: chr19-2121214-T-C.
Other names: c.1198A>G, p.Ile400Val (NM_001374799.1, NM_003938.8); short protein forms I400V.
Identifiers: ClinVar variation 4799696 (VCV004799696.1).
Genomic context (GRCh38, chr19:2,121,215, plus strand): 5'-GGACGCACCACTCGAAGTTGGTGATGTACTGGTAGTTGGACTGGCTGCAGATGTCAATGA[T>C]CTTGGTGAGCAGCTCGTCACGGTAGGTGGTACCCTCTGCCTTGTCTACGTGGGTCATCAG-3'
Protein context (NP_001248755.1, residues 390-410): TTYRDELLTK[Ile400Val]IDICSQSNYQ

ClinVar aggregate classification (germline): Uncertain significance (1 of 4 stars; one submission).

Submission:

Labcorp Genetics (formerly Invitae), Labcorp
Classification: Uncertain significance. Last evaluated: 2025-12-15. Review status: criteria provided, single submitter. Criteria: Invitae Variant Classification Sherloc (09022015). Collection method: clinical testing. Allele origin: germline.
Comment: This sequence change replaces isoleucine, which is neutral and non-polar, with valine, which is neutral and non-polar, at codon 400 of the AP3D1 protein (p.Ile400Val). This variant is present in population databases (rs759524901, gnomAD 0.0009%). This variant has not been reported in the literature in individuals affected with AP3D1-related conditions. An algorithm developed to predict the effect of missense changes on protein structure and function (PolyPhen-2) suggests that this variant is likely to be disruptive. In summary, the available evidence is currently insufficient to determine the role of this variant in disease. Therefore, it has been classified as a Variant of Uncertain Significance.